The following is an entry in ClinVar:

NM_001369369.1(FOXN1):c.1816G>A (p.Gly606Arg)

Gene: FOXN1 (forkhead box N1; plus strand). Cytogenetic location: 17q11.2.
Variant type: single nucleotide variant.
Coding change: c.1816G>A on transcript NM_001369369.1 (MANE Select); coding-DNA position 1816, G replaced by A.
Protein change: p.Gly606Arg; replaces glycine 606 with arginine.
Molecular consequence: missense variant.
Genome position (GRCh38, 1-based): chr17:28,537,305, G>A. VCF-style: chr17-28537305-G-A. GRCh37 (hg19) VCF-style: chr17-26864323-G-A.
Other names: c.1816G>A, p.Gly606Arg (NM_003593.3); short protein forms G606R.
Identifiers: ClinVar variation 4706433 (VCV004706433.1).

ClinVar aggregate classification (germline): Uncertain significance (1 of 4 stars; one submission).

Conditions:
T-cell immunodeficiency, congenital alopecia, and nail dystrophy. Also called: Congenital alopecia and nail dystrophy associated with severe functional T-cell immunodeficiency; Pignata Guarino syndrome. Identifiers: Orphanet 169095, MedGen C1866426, MONDO:0011132, OMIM 601705.

gnomAD v4.1: 21 of 1,613,758 alleles (0.0013%); highest among the groups gnomAD compares: South Asian, 0.0066%; no homozygotes.

Submission:

Labcorp Genetics (formerly Invitae), Labcorp
Classification: Uncertain significance for T-cell immunodeficiency, congenital alopecia, and nail dystrophy. Last evaluated: 2025-05-28. Review status: criteria provided, single submitter. Criteria: Invitae Variant Classification Sherloc (09022015). Collection method: clinical testing. Allele origin: germline.
Comment: This sequence change replaces glycine, which is neutral and non-polar, with arginine, which is basic and polar, at codon 606 of the FOXN1 protein (p.Gly606Arg). This variant is present in population databases (rs528722201, gnomAD 0.01%). This variant has not been reported in the literature in individuals affected with FOXN1-related conditions. Invitae Evidence Modeling of protein sequence and biophysical properties (such as structural, functional, and spatial information, amino acid conservation, physicochemical variation, residue mobility, and thermodynamic stability) indicates that this missense variant is not expected to disrupt FOXN1 protein function with a negative predictive value of 80%. In summary, the available evidence is currently insufficient to determine the role of this variant in disease. Therefore, it has been classified as a Variant of Uncertain Significance.